The following is an entry in ClinVar:

NM_001371333.1(DIABLO):c.98G>T (p.Arg33Leu)

Gene: DIABLO (diablo IAP-binding mitochondrial protein; minus strand). Cytogenetic location: 12q24.31.
Variant type: single nucleotide variant.
Coding change: c.98G>T on transcript NM_001371333.1 (MANE Select); coding-DNA position 98, G replaced by T.
Protein change: p.Arg33Leu; replaces arginine 33 with leucine.
Molecular consequence: missense variant. On other transcripts: intron variant (4).
Genome position (GRCh38, 1-based): chr12:122,224,597, C>A on the plus strand (G>T on the coding strand, the complement: DIABLO is on the minus strand). VCF-style: chr12-122224597-C-A. GRCh37 (hg19) VCF-style: chr12-122709144-C-A.
Other names: c.98G>T, p.Arg33Leu (NM_001278342.1, NM_019887.6); c.-37+1368G>T (NM_001278303.1); c.24+48G>T (NM_001278302.1, NM_138930.3, NM_001278304.2); short protein forms R33L.
Identifiers: ClinVar variation 3713942 (VCV003713942.2).

ClinVar aggregate classification (germline): Uncertain significance (1 of 4 stars; one submission).

gnomAD v4.1: 49 of 1,613,956 alleles (0.003%); highest among the groups gnomAD compares: Non-Finnish European, 0.0037%; no homozygotes.

Submission:

Labcorp Genetics (formerly Invitae), Labcorp
Classification: Uncertain significance. Last evaluated: 2024-05-25. Review status: criteria provided, single submitter. Criteria: Invitae Variant Classification Sherloc (09022015). Collection method: clinical testing. Allele origin: germline.
Comment: This sequence change replaces arginine, which is basic and polar, with leucine, which is neutral and non-polar, at codon 33 of the DIABLO protein (p.Arg33Leu). This variant is present in population databases (rs758602603, gnomAD 0.0009%). This variant has not been reported in the literature in individuals affected with DIABLO-related conditions. An algorithm developed to predict the effect of missense changes on protein structure and function (PolyPhen-2) suggests that this variant is likely to be tolerated. In summary, the available evidence is currently insufficient to determine the role of this variant in disease. Therefore, it has been classified as a Variant of Uncertain Significance.